The following is an entry in ClinVar:

NM_000053.4(ATP7B):c.497G>A (p.Arg166Gln)

Gene: ATP7B (ATPase copper transporting beta; minus strand). Cytogenetic location: 13q14.3.
Variant type: single nucleotide variant.
Coding change: c.497G>A on transcript NM_000053.4 (MANE Select); coding-DNA position 497, G replaced by A.
Protein change: p.Arg166Gln; replaces arginine 166 with glutamine.
Molecular consequence: missense variant.
Genome position (GRCh38, 1-based): chr13:51,974,723, C>T on the plus strand (G>A on the coding strand, the complement: ATP7B is on the minus strand). VCF-style: chr13-51974723-C-T. GRCh37 (hg19) VCF-style: chr13-52548859-C-T.
Other names: c.497G>A, p.Arg166Gln (NM_001005918.3, NM_001243182.2, NM_001330578.2 and 1 more transcripts); short protein forms R166Q.
Identifiers: ClinVar variation 1486616 (VCV001486616.7), dbSNP rs150490315, ClinGen allele CA6989551.

ClinVar aggregate classification (germline): Uncertain significance. Review status: criteria provided, multiple submitters, no conflicts (2 of 4 stars). 4 submissions from 4 submitters: Uncertain significance (4). Last evaluated 2025-07-22.

Conditions:
Wilson disease (WND). Also called: Wilson's disease. Identifiers: Orphanet 905, MedGen C0019202, MONDO:0010200, OMIM 277900. Disease mechanism: loss of function.

Allele frequency attached by ClinVar (database versions not stated): gnomAD 0.00001; ExAC 0.00002; TOPMed 0.00002; gnomAD exomes 0.00003; 1000 Genomes Project 30x 0.00016; 1000 Genomes Project 0.00020.
gnomAD v4.1: 43 of 1,613,906 alleles (0.0027%); highest among the groups gnomAD compares: Admixed American, 0.01%; no homozygotes.

Submissions (4):

Color Diagnostics, LLC DBA Color Health
Classification: Uncertain significance for Wilson disease. Last evaluated: 2025-07-22. Review status: criteria provided, single submitter. Criteria: ACMG Guidelines, 2015. Collection method: clinical testing. Allele origin: germline.
Comment: This missense variant replaces arginine with glutamine at codon 166 of the ATP7B protein. Computational prediction suggests that this variant may not impact protein structure and function. To our knowledge, functional studies have not been reported for this variant. This variant has not been reported in individuals affected with ATP7B-related disorders in the literature. This variant has been identified in 7/249386 chromosomes in the general population by the Genome Aggregation Database (gnomAD). The available evidence is insufficient to determine the role of this variant in disease conclusively. Therefore, this variant is classified as a Variant of Uncertain Significance.

Labcorp Genetics (formerly Invitae), Labcorp
Classification: Uncertain significance for Wilson disease. Last evaluated: 2024-12-02. Review status: criteria provided, single submitter. Criteria: Invitae Variant Classification Sherloc (09022015). Collection method: clinical testing. Allele origin: germline.
Comment: This sequence change replaces arginine, which is basic and polar, with glutamine, which is neutral and polar, at codon 166 of the ATP7B protein (p.Arg166Gln). This variant is present in population databases (rs150490315, gnomAD 0.01%). This variant has not been reported in the literature in individuals affected with ATP7B-related conditions. ClinVar contains an entry for this variant (Variation ID: 1486616). Invitae Evidence Modeling of protein sequence and biophysical properties (such as structural, functional, and spatial information, amino acid conservation, physicochemical variation, residue mobility, and thermodynamic stability) indicates that this missense variant is not expected to disrupt ATP7B protein function with a negative predictive value of 95%. In summary, the available evidence is currently insufficient to determine the role of this variant in disease. Therefore, it has been classified as a Variant of Uncertain Significance.

All of Us Research Program, National Institutes of Health
Classification: Uncertain significance for Wilson disease. Last evaluated: 2023-12-18. Review status: criteria provided, single submitter. Criteria: ACMG Guidelines, 2015. Collection method: clinical testing. Allele origin: germline. Inheritance: Autosomal recessive inheritance. Observed: 3 variant alleles, 3 heterozygotes.
Comment: This missense variant replaces arginine with glutamine at codon 166 of the ATP7B protein. Computational prediction suggests that this variant may not impact protein structure and function (internally defined REVEL score threshold <= 0.5, PMID: 27666373). To our knowledge, functional studies have not been reported for this variant. This variant has not been reported in individuals affected with ATP7B-related disorders in the literature. This variant has been identified in 7/249386 chromosomes in the general population by the Genome Aggregation Database (gnomAD). The available evidence is insufficient to determine the role of this variant in disease conclusively. Therefore, this variant is classified as a Variant of Uncertain Significance.

This study involves interpretation of variants in research participants for the purpose of population health screening. Participant phenotype was not available at the time of variant classification. Additional details can be found in publication PMID: 35346344, PMCID: PMC8962531

Fulgent Genetics
Classification: Uncertain significance for Wilson disease. Last evaluated: 2021-10-11. Review status: criteria provided, single submitter. Criteria: ACMG Guidelines, 2015. Collection method: clinical testing. Allele origin: unknown.